The following is an entry in ClinVar:

NM_001128840.3(CACNA1D):c.2743C>T (p.Arg915Trp)

Gene: CACNA1D (calcium voltage-gated channel subunit alpha1 D; plus strand). Cytogenetic location: 3p21.1.
Variant type: single nucleotide variant.
Coding change: c.2743C>T on transcript NM_001128840.3 (MANE Select); coding-DNA position 2743, C replaced by T.
Protein change: p.Arg915Trp; replaces arginine 915 with tryptophan.
Molecular consequence: missense variant.
Genome position (GRCh38, 1-based): chr3:53,735,495, C>T. VCF-style: chr3-53735495-C-T. GRCh37 (hg19) VCF-style: chr3-53769522-C-T.
Other names: c.2803C>T, p.Arg935Trp (NM_000720.4); c.2743C>T, p.Arg915Trp (NM_001128839.3); short protein forms R935W, R915W.
Identifiers: ClinVar variation 1421771 (VCV001421771.8), dbSNP rs368864820, ClinGen allele CA2454331.

ClinVar aggregate classification (germline): Uncertain significance (1 of 4 stars; one submission).

Allele frequency attached by ClinVar (database versions not stated): gnomAD exomes 0.00001; TOPMed 0.00002; ExAC 0.00005; ESP Exome Variant Server 0.00008; 1000 Genomes Project 30x 0.00016; 1000 Genomes Project 0.00020.
gnomAD v4.1: 19 of 1,614,110 alleles (0.0012%); highest among the groups gnomAD compares: Admixed American, 0.012%; no homozygotes.

Submission:

Labcorp Genetics (formerly Invitae), Labcorp
Classification: Uncertain significance. Last evaluated: 2024-04-08. Review status: criteria provided, single submitter. Criteria: Invitae Variant Classification Sherloc (09022015). Collection method: clinical testing. Allele origin: germline.
Comment: This sequence change replaces arginine, which is basic and polar, with tryptophan, which is neutral and slightly polar, at codon 935 of the CACNA1D protein (p.Arg935Trp). This variant is present in population databases (rs368864820, gnomAD 0.02%). This variant has not been reported in the literature in individuals affected with CACNA1D-related conditions. ClinVar contains an entry for this variant (Variation ID: 1421771). Advanced modeling of protein sequence and biophysical properties (such as structural, functional, and spatial information, amino acid conservation, physicochemical variation, residue mobility, and thermodynamic stability) performed at Invitae indicates that this missense variant is not expected to disrupt CACNA1D protein function with a negative predictive value of 80%. In summary, the available evidence is currently insufficient to determine the role of this variant in disease. Therefore, it has been classified as a Variant of Uncertain Significance.